The following is an entry in ClinVar:

NM_006531.5(IFT88):c.1918A>G (p.Ile640Val)

Gene: IFT88 (intraflagellar transport 88; plus strand). Cytogenetic location: 13q12.11.
Variant type: single nucleotide variant.
Coding change: c.1918A>G on transcript NM_006531.5 (MANE Select); coding-DNA position 1918, A replaced by G.
Protein change: p.Ile640Val; replaces isoleucine 640 with valine.
Molecular consequence: missense variant. On other transcripts: non-coding transcript variant (4).
Genome position (GRCh38, 1-based): chr13:20,644,927, A>G. VCF-style: chr13-20644927-A-G. GRCh37 (hg19) VCF-style: chr13-21219066-A-G.
Other names: c.1861A>G, p.Ile621Val (NM_001318491.2, NM_001353575.2); c.1945A>G, p.Ile649Val (NM_001318493.2, NM_001353565.2, NM_001353566.2 and 2 more transcripts); c.1918A>G, p.Ile640Val (NM_001353568.2, NM_001353572.2); c.1843A>G, p.Ile615Val (NM_001353569.2, NM_001353570.2, NM_001353576.2 and 1 more transcripts); c.1816A>G, p.Ile606Val (NM_001353571.2, NM_001353578.2); c.1774A>G, p.Ile592Val (NM_001353573.2); c.1759A>G, p.Ile587Val (NM_001353574.2); c.1285A>G, p.Ile429Val (NM_001353579.2); short protein forms I621V, I429V, I587V, I615V, I592V, I649V, I606V, I640V.
Identifiers: ClinVar variation 1427528 (VCV001427528.6), dbSNP rs766469865, ClinGen allele CA6905568.

ClinVar aggregate classification (germline): Uncertain significance (1 of 4 stars; one submission).

Allele frequency attached by ClinVar (database versions not stated): gnomAD exomes below 0.00001; TOPMed below 0.00001; ExAC 0.00001; gnomAD 0.00001.
gnomAD v4.1: 4 of 1,591,304 alleles (0.00025%); highest among the groups gnomAD compares: Non-Finnish European, 0.00034%; no homozygotes.

Submission:

Labcorp Genetics (formerly Invitae), Labcorp
Classification: Uncertain significance. Last evaluated: 2025-10-22. Review status: criteria provided, single submitter. Criteria: Invitae Variant Classification Sherloc (09022015). Collection method: clinical testing. Allele origin: germline.
Comment: This sequence change replaces isoleucine, which is neutral and non-polar, with valine, which is neutral and non-polar, at codon 649 of the IFT88 protein (p.Ile649Val). This variant is present in population databases (rs766469865, gnomAD 0.0009%). This variant has not been reported in the literature in individuals affected with IFT88-related conditions. ClinVar contains an entry for this variant (Variation ID: 1427528). An algorithm developed to predict the effect of missense changes on protein structure and function (PolyPhen-2) suggests that this variant is likely to be disruptive. In summary, the available evidence is currently insufficient to determine the role of this variant in disease. Therefore, it has been classified as a Variant of Uncertain Significance.